The following is an entry in ClinVar:

NM_001365536.1(SCN9A):c.1107+7A>G

Genes: SCN1A-AS1 (SCN1A and SCN9A antisense RNA 1; plus strand), SCN9A (sodium voltage-gated channel alpha subunit 9; minus strand). Cytogenetic location: 2q24.3.
Variant type: single nucleotide variant.
Coding change: c.1107+7A>G on transcript NM_001365536.1 (MANE Select); 7 bases into the intron after coding-DNA position 1107, A replaced by G.
Molecular consequence: intron variant.
Genome position (GRCh38, 1-based): chr2:166,293,224, T>C on the plus strand (A>G on the coding strand, the complement: SCN9A is on the minus strand). VCF-style: chr2-166293224-T-C. GRCh37 (hg19) VCF-style: chr2-167149734-T-C.
Other names: c.1107+7A>G (NM_002977.4).
Identifiers: ClinVar variation 517762 (VCV000517762.14), dbSNP rs199623041, ClinGen allele CA1944597.

ClinVar aggregate classification (germline): Likely benign. Review status: criteria provided, multiple submitters, no conflicts (2 of 4 stars). 4 submissions from 4 submitters: Likely benign (3). 1 of the submissions does not count toward it. Last evaluated 2025-02-26.

Conditions:
SCN9A-related disorder. Also called: SCN9A-related disorders; SCN9A-related condition.
Generalized epilepsy with febrile seizures plus, type 7 (GEFSP7). Also called: GEFS+, TYPE 7. Identifiers: Orphanet 36387, MedGen C2751778, MONDO:0013470, OMIM 613863.
Neuropathy, hereditary sensory and autonomic, type 2A (HSAN2A). Also called: NEUROPATHY, CONGENITAL SENSORY; NEUROPATHY, HEREDITARY SENSORY RADICULAR, AUTOSOMAL RECESSIVE; NEUROPATHY, HEREDITARY SENSORY, TYPE IIA; NEUROPATHY, PROGRESSIVE SENSORY, OF CHILDREN; ACROOSTEOLYSIS, GIACCAI TYPE; ACROOSTEOLYSIS, NEUROGENIC. Identifiers: Orphanet 970, MedGen C2752089, MONDO:0024309, OMIM 201300.

Allele frequency attached by ClinVar (database versions not stated): gnomAD 0.00001; gnomAD exomes 0.00001 and 0.00002; TOPMed 0.00001; ExAC 0.00003.
gnomAD v4.1: 33 of 1,575,896 alleles (0.0021%); highest among the groups gnomAD compares: Non-Finnish European, 0.0024%; no homozygotes.

Submissions (4):

Labcorp Genetics (formerly Invitae), Labcorp
Classification: Likely benign for Neuropathy, hereditary sensory and autonomic, type 2A; Generalized epilepsy with febrile seizures plus, type 7. Last evaluated: 2025-02-26. Review status: criteria provided, single submitter. Criteria: Invitae Variant Classification Sherloc (09022015). Collection method: clinical testing. Allele origin: germline.

Blueprint Genetics
Classification: Likely benign. Last evaluated: 2024-04-29. Review status: criteria provided, single submitter. Criteria: ACMG Guidelines, 2015. Collection method: clinical testing. Allele origin: germline.

GeneDx
Classification: Likely benign. Last evaluated: 2017-02-13. Review status: criteria provided, single submitter. Criteria: GeneDx Variant Classification (06012015). Collection method: clinical testing. Allele origin: germline. Affected: yes.
Comment: This variant is considered likely benign or benign based on one or more of the following criteria: it is a conservative change, it occurs at a poorly conserved position in the protein, it is predicted to be benign by multiple in silico algorithms, and/or has population frequency not consistent with disease.

PreventionGenetics, part of Exact Sciences
Classification: Likely benign for SCN9A-related condition. Last evaluated: 2019-06-25. Review status: no assertion criteria provided. Collection method: clinical testing. Allele origin: germline. Not counted in ClinVar's aggregate classification.
Comment: This variant is classified as likely benign based on ACMG/AMP sequence variant interpretation guidelines (Richards et al. 2015 PMID: 25741868, with internal and published modifications).